The following is an entry in ClinVar:

NM_032638.5(GATA2):c.532C>T (p.Pro178Ser)

Gene: GATA2 (GATA binding protein 2; minus strand). Cytogenetic location: 3q21.3.
Variant type: single nucleotide variant.
Coding change: c.532C>T on transcript NM_032638.5 (MANE Select); coding-DNA position 532, C replaced by T.
Protein change: p.Pro178Ser; replaces proline 178 with serine.
Molecular consequence: missense variant.
Genome position (GRCh38, 1-based): chr3:128,486,066, G>A on the plus strand (C>T on the coding strand, the complement: GATA2 is on the minus strand). VCF-style: chr3-128486066-G-A. GRCh37 (hg19) VCF-style: chr3-128204909-G-A.
Other names: c.532C>T, p.Pro178Ser (NM_001145661.2, NM_001145662.1); short protein forms P178S.
Identifiers: ClinVar variation 580418 (VCV000580418.10), dbSNP rs757177579, ClinGen allele CA2600008.

ClinVar aggregate classification (germline): Uncertain significance (1 of 4 stars; one submission).

Conditions:
Deafness-lymphedema-leukemia syndrome. Also called: Lymphedema, primary, with myelodysplasia; Emberger syndrome. Identifiers: Orphanet 3226, MedGen C3279664, MONDO:0013540, OMIM 614038.
Monocytopenia with susceptibility to infections. Also called: MONOCYTOPENIA AND MYCOBACTERIAL INFECTION SYNDROME; MONOCYTOPENIA WITH SUSCEPTIBILITY TO MYCOBACTERIAL, FUNGAL, AND PAPILLOMAVIRUS INFECTIONS AND MYELODYSPLASIA; COMBINED IMMUNODEFICIENCY WITH SUSCEPTIBILITY TO MYCOBACTERIAL, VIRAL, AND FUNGAL INFECTIONS; IMMUNODEFICIENCY 21; Dendritic cell, monocyte, B lymphocyte, and natural killer lymphocyte deficiency; GATA2 DEFICIENCY. Identifiers: Orphanet 228423, MedGen C3280030, MONDO:0013607, OMIM 614172.

Allele frequency attached by ClinVar (database versions not stated): gnomAD 0.00001; gnomAD exomes below 0.00001; TOPMed below 0.00001; ExAC 0.00001.
gnomAD v4.1: 4 of 1,613,956 alleles (0.00025%); highest among the groups gnomAD compares: Non-Finnish European, 0.00034%; no homozygotes.

Submission:

Labcorp Genetics (formerly Invitae), Labcorp
Classification: Uncertain significance for Monocytopenia with susceptibility to infections; Deafness-lymphedema-leukemia syndrome. Last evaluated: 2024-04-08. Review status: criteria provided, single submitter. Criteria: Invitae Variant Classification Sherloc (09022015). Collection method: clinical testing. Allele origin: germline.
Comment: This sequence change replaces proline, which is neutral and non-polar, with serine, which is neutral and polar, at codon 178 of the GATA2 protein (p.Pro178Ser). The frequency data for this variant in the population databases is considered unreliable, as metrics indicate poor data quality at this position in the gnomAD database. This variant has not been reported in the literature in individuals affected with GATA2-related conditions. ClinVar contains an entry for this variant (Variation ID: 580418). Advanced modeling of protein sequence and biophysical properties (such as structural, functional, and spatial information, amino acid conservation, physicochemical variation, residue mobility, and thermodynamic stability) has been performed at Invitae for this missense variant, however the output from this modeling did not meet the statistical confidence thresholds required to predict the impact of this variant on GATA2 protein function. In summary, the available evidence is currently insufficient to determine the role of this variant in disease. Therefore, it has been classified as a Variant of Uncertain Significance.